The following is an entry in ClinVar:

NM_000073.3(CD3G):c.79+1G>A

Gene: CD3G (CD3 gamma subunit of T-cell receptor complex; plus strand). Cytogenetic location: 11q23.3.
Variant type: single nucleotide variant.
Coding change: c.79+1G>A on transcript NM_000073.3 (MANE Select); the canonical splice donor site of the intron after coding-DNA position 79, G replaced by A.
Molecular consequence: splice donor variant.
Genome position (GRCh38, 1-based): chr11:118,349,051, G>A. VCF-style: chr11-118349051-G-A. GRCh37 (hg19) VCF-style: chr11-118219766-G-A.
Other names: c.79+1G>A (NM_001440319.1).
Identifiers: ClinVar variation 4738867 (VCV004738867.1).
Genomic context (GRCh38, chr11:118,349,051, plus strand): 5'-CCCAGCTAATACTCTATCTCTCTTCTGTCTTTACAGGTACTTTGGCCCAGTCAATCAAAG[G>A]TAGGAGAAATGGCTTCTTTCTATACTCAGACTCAGAATATTGACGGAAATTTGGCTTCCT-3'

ClinVar aggregate classification (germline): Likely pathogenic (1 of 4 stars; one submission).

Conditions:
Combined immunodeficiency due to CD3gamma deficiency. Also called: Immunodeficiency 17, CD3 gamma deficient; CD3-GAMMA DEFICIENCY; SCID-LIKE IMMUNODEFICIENCY, T CELL-PARTIAL, B CELL-POSITIVE, NK CELL-POSITIVE; Immunodeficiency 17. Identifiers: Orphanet 169082, MedGen C3810107, MONDO:0014276, OMIM 615607.

Submission:

Labcorp Genetics (formerly Invitae), Labcorp
Classification: Likely pathogenic for Combined immunodeficiency due to CD3gamma deficiency. Last evaluated: 2025-11-08. Review status: criteria provided, single submitter. Criteria: Invitae Variant Classification Sherloc (09022015). Collection method: clinical testing. Allele origin: germline.
Comment: This sequence change affects a donor splice site in intron 2 of the CD3G gene. It is expected to disrupt RNA splicing. Variants that disrupt the donor or acceptor splice site typically lead to a loss of protein function (PMID: 16199547), and loss-of-function variants in CD3G are known to be pathogenic (PMID: 1635567, 17277165, 24910257). This variant is not present in population databases (gnomAD no frequency). This variant has not been reported in the literature in individuals affected with CD3G-related conditions. Algorithms developed to predict the effect of sequence changes on RNA splicing suggest that this variant may disrupt the consensus splice site. In summary, the currently available evidence indicates that the variant is pathogenic, but additional data are needed to prove that conclusively. Therefore, this variant has been classified as Likely Pathogenic.

Literature cited by the submitters: PubMed 16199547; PubMed 1635567; PubMed 17277165; PubMed 24910257.